The following is an entry in ClinVar:

ClinVar aggregate classification (germline): Uncertain significance. Review status: criteria provided, multiple submitters, no conflicts (2 of 4 stars). 7 submissions from 5 submitters: Uncertain significance (7). Last evaluated 2026-09-02.

Conditions:
Cardiovascular phenotype. Identifiers: MedGen CN230736.
Cardiomyopathy (CMYO). Also called: Cardiomyopathies. Identifiers: Orphanet 167848, MedGen C0878544, MONDO:0004994, HP:0001638. Inheritance: Various modes of inheritance.
Cardiomyopathy, familial restrictive, 3. Identifiers: Orphanet 75249, MedGen C2676271, MONDO:0012900, OMIM 612422.
Hypertrophic cardiomyopathy 2. Also called: TNNT2-Related Familial Hypertrophic Cardiomyopathy. Identifiers: MedGen C1861864, MONDO:0007266, OMIM 115195.
Dilated cardiomyopathy 1D. Identifiers: Orphanet 154, Orphanet 54260, MedGen C1832243, MONDO:0011095, OMIM 601494.

gnomAD v4.1: 13 of 1,614,102 alleles (0.00081%); highest among the groups gnomAD compares: Non-Finnish European, 0.0011%; no homozygotes.

Submissions (7):

Ambry Genetics
Classification: Uncertain significance for Cardiovascular phenotype. Last evaluated: 2026-09-02. Review status: criteria provided, single submitter. Criteria: Ambry Variant Classification Scheme 2023. Collection method: clinical testing. Allele origin: germline.
Comment: The p.F248V variant (also known as c.742T>G), located in coding exon 13 of the TNNT2 gene, results from a T to G substitution at nucleotide position 742. The phenylalanine at codon 248 is replaced by valine, an amino acid with highly similar properties. This variant was reported in individual(s) with features consistent with TNNT2-related cardiomyopathy (Hazebroek MR et al. Circ Heart Fail, 2018 Mar;11:e004682; Verdonschot JAJ et al. Circ Genom Precis Med, 2020 Oct;13:476-487; Janin A et al. Mol Diagn Ther, 2021 May;25:373-385; Stroeks SLVM et al. Genet Med, 2021 Nov;23:2186-2193; Bourfiss M et al. Circ Genom Precis Med, 2022 Dec;15:e003704). This amino acid position is highly conserved in available vertebrate species. In addition, this alteration is predicted to be deleterious by in silico analysis. Based on the available evidence, the clinical significance of this variant remains unclear.

Victorian Clinical Genetics Services, Murdoch Childrens Research Institute
Classification: Uncertain significance for Dilated cardiomyopathy 1D. Last evaluated: 2025-09-16. Review status: criteria provided, single submitter. Criteria: ACMG Guidelines, 2015. Collection method: clinical testing. Allele origin: germline. Affected: yes.
Comment: This variant is classified as VUS-3B. Evidence in support of pathogenic classification: Variant is present in gnomAD <0.001 for a dominant condition (v4: 13 heterozygote(s), 0 homozygote(s)); Missense variant predicted to be damaging by in silico tool(s) or highly conserved with a major amino acid change. Additional information: Variant is predicted to result in a missense amino acid change from Phe to Val; This variant is heterozygous; This gene is associated with autosomal dominant disease; Alternative amino acid change(s) at the same position are present in gnomAD (highest allele count: v4: 4 heterozygote(s), 0 homozygote(s)); Previous reports of pathogenicity for this variant are conflicting. This variant has been classified as a VUS by multiple clinical laboratories in ClinVar. Additionally it has been reported as likely pathogenic in individuals with DCM, including one who also had a likely pathogenic TTN variant (PMID: 33954932, 36971006, LOVD); No published functional evidence has been identified for this variant; Another missense variant(s) comparable to the one identified in this case has inconclusive previous evidence for pathogenicity. p.(Phe258Leu) has been classified as a VUS by multiple clinical laboratories in ClinVar. Additionally, it has been reported as a VUS in an individual with DCM in the literature (PMID: 33029862); Variant is located in the annotated troponin domain (DECIPHER); The mechanism of disease for this gene is not clearly established. Functional studies have suggested loss of function, gain of function and dominant negative mechanisms based on calcium sensitivity, contractibility and mouse models (PMID: 18612386, 32098556, 33025817); Variants in this gene are known to have variable expressivity (OMIM, PMID: 26507537); Inheritance information for this variant is not currently available in this individual.

Genome-Nilou Lab
Classification: Uncertain significance for Dilated cardiomyopathy 1D. Last evaluated: 2023-04-11. Review status: criteria provided, single submitter. Criteria: ACMG Guidelines, 2015. Collection method: clinical testing. Allele origin: germline. Affected: no.

Genome-Nilou Lab
Classification: Uncertain significance for Cardiomyopathy, familial restrictive, 3. Last evaluated: 2023-04-11. Review status: criteria provided, single submitter. Criteria: ACMG Guidelines, 2015. Collection method: clinical testing. Allele origin: germline. Affected: no.

Genome-Nilou Lab
Classification: Uncertain significance for Hypertrophic cardiomyopathy 2. Last evaluated: 2023-04-11. Review status: criteria provided, single submitter. Criteria: ACMG Guidelines, 2015. Collection method: clinical testing. Allele origin: germline. Affected: no.

Color Diagnostics, LLC DBA Color Health
Classification: Uncertain significance for Cardiomyopathy. Last evaluated: 2018-11-22. Review status: criteria provided, single submitter. Criteria: ACMG Guidelines, 2015. Collection method: clinical testing. Allele origin: germline.
Comment: Variant of Uncertain Significance due to insufficient evidence: This missense variant is located in the tropomyosin/actin/troponin I binding domain of the TNNT2 protein. Computational prediction tools and conservation analyses are inconclusive regarding the impact of this variant on the protein function. Computational splicing tools suggest that this variant may not impact RNA splicing. To our knowledge, functional assays have not been performed for this variant nor has this variant been reported in individuals affected with cardiovascular disorders in the literature. This variant is rare in the general population and has been identified in 0/277264 chromosomes by the Genome Aggregation Database (gnomAD). Available evidence is insufficient to determine the pathogenicity of this variant conclusively.

GeneDx
Classification: Uncertain significance. Last evaluated: 2017-05-10. Review status: criteria provided, single submitter. Criteria: GeneDx Variant Classification (06012015). Collection method: clinical testing. Allele origin: germline. Affected: yes.
Comment: p.Phe248Val (TTC>GTC): c.742 T>G in exon 14 of the TNNT2 gene (NM_001001430.1). The F248V variant has not been published as a mutation, nor has it been reported as a benign polymorphism to our knowledge. The F248V variant was not observed in approximately 6,500 individuals of European and African American ancestry in the NHLBI Exome Sequencing Project, indicating it is not a common benign variant in these populations. The F248V variant is a semi-conservative amino acid substitution, which may impact secondary protein structure as these residues differ in some properties. This substitution occurs at a position that is conserved across species. Missense mutations in nearby residues (K247R, E244D) have been reported in association with HCM, supporting the functional importance of this region of the protein. However, in silico analysis is inconsistent in its predictions as to whether or not the variant is damaging to the protein structure/function. Therefore, based on the currently available information, it is unclear whether this variant is a pathogenic mutation or a rare benign variant. The variant is found in HCM panel(s).

Literature cited by the submitters: PubMed 29540472 (cited by Ambry Genetics); PubMed 32880476 (cited by Ambry Genetics); PubMed 33954932 (cited by Ambry Genetics and Victorian Clinical Genetics Services, Murdoch Childrens Research Institute); PubMed 34194005 (cited by Ambry Genetics); PubMed 36264615 (cited by Ambry Genetics); PubMed 26507537 (cited by Victorian Clinical Genetics Services, Murdoch Childrens Research Institute); PubMed 32098556 (cited by Victorian Clinical Genetics Services, Murdoch Childrens Research Institute); PubMed 36971006 (cited by Victorian Clinical Genetics Services, Murdoch Childrens Research Institute); PubMed 33025817 (cited by Victorian Clinical Genetics Services, Murdoch Childrens Research Institute); PubMed 18612386 (cited by Victorian Clinical Genetics Services, Murdoch Childrens Research Institute); PubMed 33029862 (cited by Victorian Clinical Genetics Services, Murdoch Childrens Research Institute).

NM_001276345.2(TNNT2):c.772T>G (p.Phe258Val)

Gene: TNNT2 (troponin T2, cardiac type; minus strand). Cytogenetic location: 1q32.1.
Variant type: single nucleotide variant.
Coding change: c.772T>G on transcript NM_001276345.2 (MANE Select); coding-DNA position 772, T replaced by G.
Protein change: p.Phe258Val; replaces phenylalanine 258 with valine.
Molecular consequence: missense variant.
Genome position (GRCh38, 1-based): chr1:201,361,317, A>C on the plus strand (T>G on the coding strand, the complement: TNNT2 is on the minus strand). VCF-style: chr1-201361317-A-C. GRCh37 (hg19) VCF-style: chr1-201330445-A-C.
Other names: p.F248V:TTC>GTC; c.763T>G, p.Phe255Val (NM_000364.4); c.742T>G, p.Phe248Val (NM_001001430.3, NM_001276347.2); c.733T>G, p.Phe245Val (NM_001001431.3); c.724T>G, p.Phe242Val (NM_001001432.3); c.643T>G, p.Phe215Val (NM_001276346.2); short protein forms F248V, F255V, F242V, F245V, F258V, F215V.
Identifiers: ClinVar variation 181645 (VCV000181645.9), dbSNP rs730881110, ClinGen allele CA005054.